The following is an entry in ClinVar:

ClinVar aggregate classification (germline): Likely pathogenic (1 of 4 stars; one submission).

Submission:

Labcorp Genetics (formerly Invitae), Labcorp
Classification: Likely pathogenic. Last evaluated: 2023-05-20. Review status: criteria provided, single submitter. Criteria: Invitae Variant Classification Sherloc (09022015). Collection method: clinical testing. Allele origin: unknown.
Comment: In summary, the currently available evidence indicates that the variant is pathogenic, but additional data are needed to prove that conclusively. Therefore, this variant has been classified as Likely Pathogenic. This variant has not been reported in the literature in individuals affected with OTOF-related conditions. This variant results in a copy number gain of the genomic region encompassing exon(s) 3-11 of the OTOF gene. While the exact position of this variant cannot be determined from the data, sub-genic copy number gains are generally in tandem (PMID: 25640679). This variant is predicted to be out-of-frame, and may result in an absent or disrupted protein product. Loss-of-function variants in OTOF are known to be pathogenic (PMID: 18381613, 19250381, 22575033).

Literature cited by the submitters: PubMed 25640679; PubMed 18381613; PubMed 19250381; PubMed 22575033.

NC_000002.11:g.(?_26712059)_(26750808_?)dup

Gene: OTOF (otoferlin; minus strand). Cytogenetic location: 2p23.3.
Variant type: Duplication.
Identifiers: ClinVar variation 3247612 (VCV003247612.1).